The following is an entry in ClinVar:

NM_001243279.3(ACSF3):c.517_524dup (p.Tyr175Ter)

Gene: ACSF3 (acyl-CoA synthetase family member 3; plus strand). Cytogenetic location: 16q24.3.
Variant type: Duplication.
Coding change: c.517_524dup on transcript NM_001243279.3 (MANE Select); coding-DNA positions 517 to 524, 8 bases duplicated (GCCATCTA; older notation c.517_524dupGCCATCTA).
Protein change: p.Tyr175Ter; replaces tyrosine 175 with a stop codon.
Molecular consequence: nonsense. On other transcripts: non-coding transcript variant (3), intron variant (1).
Genome position (GRCh38, 1-based): chr16:89,101,198-89,101,205, GCCATCTA duplicated; duplicating any 8 consecutive bases within chr16:89,101,197-89,101,205 gives the same sequence; the c. name uses the placement nearest the transcript's 3' end. VCF-style (leftmost placement, unchanged base first): chr16-89101196-C-CAGCCATCT. GRCh37 (hg19) VCF-style: chr16-89167604-C-CAGCCATCT.
Other names: c.-129-1406_-129-1399dup (NM_001284316.2); c.517_524dup, p.Tyr175Ter (NM_001127214.4, NM_174917.5); short protein forms Y175*.
Identifiers: ClinVar variation 4880782 (VCV004880782.2).

ClinVar aggregate classification (germline): Likely pathogenic (1 of 4 stars; one submission).

Conditions:
Combined malonic and methylmalonic acidemia. Identifiers: Orphanet 289504, MedGen C3280314, MONDO:0013661, OMIM 614265.

Submission:

Dasa
Classification: Likely pathogenic for Combined malonic and methylmalonic acidemia. Last evaluated: 2025-03-17. Review status: criteria provided, single submitter. Criteria: DASA Assertion Criteria. Collection method: clinical testing. Allele origin: germline.
Comment: NM_001243279.3(ACSF3):c.517_524dup (p.Tyr175*) is a frameshift variant in ACSF3 predicted to alter the reading frame and introduce a premature termination codon and is predicted to result in an absent or altered protein product. Loss of function is an established disease mechanism for ACSF3-associated disorders. Also, this variant is absent from population databases. Based on the currently available evidence, this variant is classified as likely pathogenic.